The following is an entry in ClinVar:

NM_001040108.2(MLH3):c.743A>C (p.Asn248Thr)

Gene: MLH3 (mutL homolog 3; minus strand). Cytogenetic location: 14q24.3.
Variant type: single nucleotide variant.
Coding change: c.743A>C on transcript NM_001040108.2 (MANE Select); coding-DNA position 743, A replaced by C.
Protein change: p.Asn248Thr; replaces asparagine 248 with threonine.
Molecular consequence: missense variant.
Genome position (GRCh38, 1-based): chr14:75,048,913, T>G on the plus strand (A>C on the coding strand, the complement: MLH3 is on the minus strand). VCF-style: chr14-75048913-T-G. GRCh37 (hg19) VCF-style: chr14-75515616-T-G.
Other names: c.743A>C, p.Asn248Thr (NM_014381.3); short protein forms N248T.
Identifiers: ClinVar variation 1758912 (VCV001758912.4), dbSNP rs1358270074, ClinGen allele CA390449308.
Genomic context (GRCh38, chr14:75,048,913, plus strand): 5'-ATGAGTTTATGTAGCTTTGTCCTTAAAACTAGTCTTTTGTTCACAAACAAAAACTGCATA[T>G]TCTTGTTGTAATGTGCTTCAGAGCTGATATAGCCACTAAGCTCAAACTCTTTATATTTAA-3'
Protein context (NP_001035197.1, residues 238-258): YISSEAHYNK[Asn248Thr]MQFLFVNKRL

ClinVar aggregate classification (germline): Uncertain significance (1 of 4 stars; one submission).

gnomAD v4.1: 7 of 1,613,514 alleles (0.00043%); highest among the groups gnomAD compares: Non-Finnish European, 0.00059%; no homozygotes.

Submission:

Ambry Genetics
Classification: Uncertain significance. Last evaluated: 2025-08-11. Review status: criteria provided, single submitter. Criteria: Ambry Variant Classification Scheme 2023. Collection method: clinical testing. Allele origin: germline.
Comment: The p.N248T variant (also known as c.743A>C), located in coding exon 1 of the MLH3 gene, results from an A to C substitution at nucleotide position 743. The asparagine at codon 248 is replaced by threonine, an amino acid with similar properties. This amino acid position is conserved. In addition, this alteration is predicted to be tolerated by in silico analysis. Since supporting evidence is limited at this time, the clinical significance of this alteration remains unclear.